The following is an entry in ClinVar:

ClinVar aggregate classification (germline): Uncertain significance. Review status: criteria provided, multiple submitters, no conflicts (2 of 4 stars). 10 submissions from 10 submitters: Uncertain significance (8). 2 of the submissions do not count toward it. Last evaluated 2026-02-11.

Conditions:
NBN-related disorder. Also called: NBN-related condition.
Hereditary cancer-predisposing syndrome. Also called: Tumor predisposition; Hereditary Cancer Syndrome; Hereditary neoplastic syndrome; Neoplastic Syndromes, Hereditary. Identifiers: Orphanet 140162, MedGen C0027672, MeSH D009386, MONDO:0015356.
Microcephaly, normal intelligence and immunodeficiency (NBS). Also called: IMMUNODEFICIENCY, MICROCEPHALY, AND CHROMOSOMAL INSTABILITY; BERLIN BREAKAGE SYNDROME; Ataxia telangiectasia variant V1; Nijmegen breakage syndrome; Microcephaly with normal intelligence immunodeficiency and lymphoreticular malignancies; Nonsyndromal microcephaly autosomal recessive with normal intelligence. Identifiers: Orphanet 647, MedGen C0398791, MONDO:0009623, OMIM 251260.

Allele frequency attached by ClinVar (database versions not stated): gnomAD 0.00001; TOPMed 0.00001; ExAC 0.00002; gnomAD exomes 0.00002 and 0.00005.
gnomAD v4.1: 78 of 1,600,652 alleles (0.0049%); highest among the groups gnomAD compares: Non-Finnish European, 0.0064%; no homozygotes.

Submissions (12):

St. Jude Molecular Pathology, St. Jude Children's Research Hospital
Classification: Uncertain significance for Microcephaly, normal intelligence and immunodeficiency. Last evaluated: 2026-02-11. Review status: criteria provided, single submitter. Criteria: St. Jude Assertion Criteria 2020. Collection method: clinical testing. Allele origin: germline.
Comment: The NBN c.2071-4A>G intronic change results in an A to G substitution at the -4 position of intron 13 of the NBN gene. Algorithms that predict the impact of sequence changes on splicing indicate that this change may impact splicing. This variant has a maximum subpopulation frequency of 0.004% in gnomAD v2.1.1. To our knowledge, this variant has not been reported in individuals with Nijmegen breakage syndrome. In summary, the evidence currently available is insufficient to determine the clinical significance of this variant. It has therefore been classified as of uncertain significance.

Labcorp Genetics (formerly Invitae), Labcorp
Classification: Uncertain significance for Microcephaly, normal intelligence and immunodeficiency. Last evaluated: 2025-01-17. Review status: criteria provided, single submitter. Criteria: Invitae Variant Classification Sherloc (09022015). Collection method: clinical testing. Allele origin: germline.
Comment: This sequence change falls in intron 13 of the NBN gene. It does not directly change the encoded amino acid sequence of the NBN protein. This variant is present in population databases (rs746994234, gnomAD 0.004%). This variant has been observed in individual(s) with breast cancer, myeloid neoplasm, and/or ovarian cancer (PMID: 29470806, 33850299, 35245693). ClinVar contains an entry for this variant (Variation ID: 219601). Studies have shown that this variant is associated with inconclusive levels of altered splicing (internal data). In summary, the available evidence is currently insufficient to determine the role of this variant in disease. Therefore, it has been classified as a Variant of Uncertain Significance.

Institute for Biomarker Research, Medical Diagnostic Laboratories, L.L.C.
Classification: Uncertain significance for Hereditary cancer-predisposing syndrome. Last evaluated: 2024-12-16. Review status: criteria provided, single submitter. Criteria: ACMG Guidelines, 2015. Collection method: clinical testing. Allele origin: germline.
Comment: The splice region variant NM_002485.5(NBN):c.2071-4A>G has not been reported previously as a pathogenic variant nor as a benign variant, to our knowledge. The c.2071-4A>G variant is observed in 1/16,252 (0.0062%) alleles from individuals of gnomAD African background in gnomAD. The c.2071-4A>G variant is novel (not in any individuals) in 1kG. For these reasons, this variant has been classified as Uncertain Significance

Quest Diagnostics Nichols Institute San Juan Capistrano
Classification: Uncertain significance. Last evaluated: 2024-10-16. Review status: criteria provided, single submitter. Criteria: Quest Diagnostics criteria. Collection method: clinical testing. Allele origin: unknown.
Comment: The NBN c.2071-4A>G variant has been reported in the published literature in individuals with breast and/or ovarian cancer (PMID: 35245693 (2022), 29470806 (2018)), and in an individual with therapy-related myeloid neoplasm (PMID: 33850299 (2021)). The frequency of this variant in the general population, 0.000031 (4/129000 chromosomes (Genome Aggregation Database)), is uninformative in the assessment of its pathogenicity. Analysis of this variant using software algorithms for the prediction of the effect of nucleotide changes on splicing yielded predictions that this variant may affect proper NBN mRNA splicing. Based on the available information, we are unable to determine the clinical significance of this variant.

GeneDx
Classification: Uncertain significance. Last evaluated: 2023-03-17. Review status: criteria provided, single submitter. Criteria: GeneDx Variant Classification Process June 2021. Collection method: clinical testing. Allele origin: germline. Affected: yes.
Comment: Not observed at significant frequency in large population cohorts (gnomAD); In silico analysis supports a deleterious effect on splicing; This variant is associated with the following publications: (PMID: 29470806, 35245693)

Ambry Genetics
Classification: Uncertain significance for Hereditary cancer-predisposing syndrome. Last evaluated: 2022-04-26. Review status: criteria provided, single submitter. Criteria: Ambry Variant Classification Scheme 2023. Collection method: clinical testing. Allele origin: germline.
Comment: The c.2071-4A>G intronic variant results from an A to G substitution 4 nucleotides upstream from coding exon 14 in the NBN gene. This variant was observed in a study of 1010 unrelated Indian patients with breast and/or ovarian cancer (Singh J et al. Breast Cancer Res Treat, 2018 Jul;170:189-196). This nucleotide position is not well conserved in available vertebrate species. In silico splice site analysis predicts that this alteration will result in the creation or strengthening of a novel splice acceptor site. RNA studies have demonstrated that this alteration results in an incomplete splice defect; the clinical impact of this abnormal splicing is unknown at this time (Ambry internal data). Since supporting evidence is limited at this time, the clinical significance of this alteration remains unclear.

Genome-Nilou Lab
Classification: Uncertain significance for Microcephaly, normal intelligence and immunodeficiency. Last evaluated: 2021-11-07. Review status: criteria provided, single submitter. Criteria: ACMG Guidelines, 2015. Collection method: clinical testing. Allele origin: germline. Affected: no.

Genetic Services Laboratory, University of Chicago
Classification: Uncertain significance. Last evaluated: 2016-12-05. Review status: criteria provided, single submitter. Criteria: ACMG Guidelines, 2015. Collection method: clinical testing. Allele origin: germline. Affected: no.

PreventionGenetics, part of Exact Sciences
Classification: Uncertain significance for NBN-related condition. Last evaluated: 2024-08-08. Review status: no assertion criteria provided. Collection method: clinical testing. Allele origin: germline. Not counted in ClinVar's aggregate classification.
Comment: The NBN c.2071-4A>G variant is predicted to interfere with splicing. This variant has been reported in several individuals with breast and/or ovarian cancer (Table S4, Singh et al. 2018. PubMed ID: 29470806; Table 2, Castillo-Guardiola et al. 2022. PubMed ID: 35245693; Table 3, Rosado-Jiménez et al. 2023. PubMed ID: 38075165). This variant is reported in 0.0040% of alleles in individuals of African descent in gnomAD. This variant is predicted to alter splicing based on available splicing prediction programs (SpliceAI, Jaganathan K, et al. 2019. PubMed ID: 3066175). However, the use of computer prediction programs is not equivalent to functional evidence. This variant is interpreted as a variant of uncertain significance in ClinVar. At this time, the clinical significance of this variant is uncertain due to the absence of conclusive functional and genetic evidence.

Counsyl
Classification: Uncertain significance for Microcephaly, normal intelligence and immunodeficiency. Last evaluated: 2017-04-11. Review status: no assertion criteria provided. Collection method: clinical testing. Allele origin: unknown. Not counted in ClinVar's aggregate classification.

Dr. Peter K. Rogan Lab, Western University
No classification provided (evidence only). Condition: Gastric cancer. Review status: no classification provided. Collection method: in vitro. Allele origin: not applicable. Functional consequence: retained intron. Not counted in ClinVar's aggregate classification.

Dr. Peter K. Rogan Lab, Western University
No classification provided (evidence only). Condition: Gastric cancer. Review status: no classification provided. Collection method: in vitro. Allele origin: not applicable. Functional consequence: retained intron. Not counted in ClinVar's aggregate classification.

Literature cited by the submitters: PubMed 29470806 (cited by 3 submitters); PubMed 33850299 (cited by Labcorp Genetics (formerly Invitae), Labcorp and Quest Diagnostics Nichols Institute San Juan Capistrano); PubMed 35245693 (cited by Labcorp Genetics (formerly Invitae), Labcorp and Quest Diagnostics Nichols Institute San Juan Capistrano); PubMed 38075165 (cited by Quest Diagnostics Nichols Institute San Juan Capistrano).

NM_002485.5(NBN):c.2071-4A>G

Gene: NBN (nibrin; minus strand). Cytogenetic location: 8q21.3.
Variant type: single nucleotide variant.
Coding change: c.2071-4A>G on transcript NM_002485.5 (MANE Select); 4 bases into the intron before coding-DNA position 2071, A replaced by G.
Molecular consequence: intron variant.
Genome position (GRCh38, 1-based): chr8:89,943,370, T>C on the plus strand (A>G on the coding strand, the complement: NBN is on the minus strand). VCF-style: chr8-89943370-T-C. GRCh37 (hg19) VCF-style: chr8-90955598-T-C.
Other names: c.1825-4A>G (NM_001024688.3).
Identifiers: ClinVar variation 219601 (VCV000219601.32), dbSNP rs746994234, ClinGen allele CA348356.